The following is an entry in ClinVar:

ClinVar aggregate classification (germline): Uncertain significance (1 of 4 stars; one submission).

Conditions:
Nephronophthisis 15 (NPHP15). Identifiers: Orphanet 3156, MedGen C3541853, MONDO:0013917, OMIM 614845.

Submission:

Labcorp Genetics (formerly Invitae), Labcorp
Classification: Uncertain significance for Nephronophthisis 15. Last evaluated: 2021-04-10. Review status: criteria provided, single submitter. Criteria: Invitae Variant Classification Sherloc (09022015). Collection method: clinical testing. Allele origin: germline.
Comment: In summary, the available evidence is currently insufficient to determine the role of this variant in disease. Therefore, it has been classified as a Variant of Uncertain Significance. Algorithms developed to predict the effect of sequence changes on RNA splicing suggest that this variant may create or strengthen a splice site, but this prediction has not been confirmed by published transcriptional studies. Algorithms developed to predict the effect of missense changes on protein structure and function are either unavailable or do not agree on the potential impact of this missense change (SIFT: "Deleterious"; PolyPhen-2: "Probably Damaging"; Align-GVGD: "Class C15"). This variant has not been reported in the literature in individuals with CEP164-related conditions. This variant is not present in population databases (ExAC no frequency). This sequence change replaces serine with cysteine at codon 1079 of the CEP164 protein (p.Ser1079Cys). The serine residue is highly conserved and there is a moderate physicochemical difference between serine and cysteine.

NM_014956.5(CEP164):c.3236C>G (p.Ser1079Cys)

Gene: CEP164 (centrosomal protein 164; plus strand). Cytogenetic location: 11q23.3.
Variant type: single nucleotide variant.
Coding change: c.3236C>G on transcript NM_014956.5 (MANE Select); coding-DNA position 3236, C replaced by G.
Protein change: p.Ser1079Cys; replaces serine 1079 with cysteine.
Molecular consequence: missense variant.
Genome position (GRCh38, 1-based): chr11:117,396,569, C>G. VCF-style: chr11-117396569-C-G. GRCh37 (hg19) VCF-style: chr11-117267285-C-G.
Other names: c.3245C>G, p.Ser1082Cys (NM_001271933.2); short protein forms S1082C, S1079C.
Identifiers: ClinVar variation 1476408 (VCV001476408.8), dbSNP rs2136482246, ClinGen allele CA382734760.